The following is an entry in ClinVar:

ClinVar aggregate classification (germline): Uncertain significance. Review status: criteria provided, multiple submitters, no conflicts (2 of 4 stars). 3 submissions from 3 submitters: Uncertain significance (2). 1 of the submissions does not count toward it. Last evaluated 2025-04-01.

Conditions:
Intellectual disability. Also called: intellectual disabilities; Intellectual developmental disorder; Intellectual functioning disability. Identifiers: MedGen C3714756, MeSH D008607, MONDO:0001071, HP:0001249.
Inborn genetic diseases. Identifiers: MedGen C0950123, MeSH D030342.

gnomAD v4.1: 5 of 1,550,694 alleles (0.00032%); highest among the groups gnomAD compares: Non-Finnish European, 0.00044%; no homozygotes.

Submissions (3):

Ambry Genetics
Classification: Uncertain significance for Inborn genetic diseases. Last evaluated: 2025-04-01. Review status: criteria provided, single submitter. Criteria: Ambry Variant Classification Scheme 2023. Collection method: clinical testing. Allele origin: germline.

Labcorp Genetics (formerly Invitae), Labcorp
Classification: Uncertain significance. Last evaluated: 2024-11-05. Review status: criteria provided, single submitter. Criteria: Invitae Variant Classification Sherloc (09022015). Collection method: clinical testing. Allele origin: germline.
Comment: This sequence change replaces arginine, which is basic and polar, with glutamine, which is neutral and polar, at codon 431 of the PACS2 protein (p.Arg431Gln). This variant is not present in population databases (gnomAD no frequency). This variant has not been reported in the literature in individuals affected with PACS2-related conditions. ClinVar contains an entry for this variant (Variation ID: 975466). Invitae Evidence Modeling of protein sequence and biophysical properties (such as structural, functional, and spatial information, amino acid conservation, physicochemical variation, residue mobility, and thermodynamic stability) indicates that this missense variant is not expected to disrupt PACS2 protein function with a negative predictive value of 80%. In summary, the available evidence is currently insufficient to determine the role of this variant in disease. Therefore, it has been classified as a Variant of Uncertain Significance.

Centre de Biologie Pathologie Génétique, Centre Hospitalier Universitaire de Lille
Classification: Likely benign for Intellectual disability. Last evaluated: 2019-01-01. Review status: no assertion criteria provided. Collection method: clinical testing. Allele origin: inherited. Affected: yes. Not counted in ClinVar's aggregate classification.

NM_001100913.3(PACS2):c.1292G>A (p.Arg431Gln)

Gene: PACS2 (phosphofurin acidic cluster sorting protein 2; plus strand). Cytogenetic location: 14q32.33.
Variant type: single nucleotide variant.
Coding change: c.1292G>A on transcript NM_001100913.3 (MANE Select); coding-DNA position 1292, G replaced by A.
Protein change: p.Arg431Gln; replaces arginine 431 with glutamine.
Molecular consequence: missense variant.
Genome position (GRCh38, 1-based): chr14:105,381,937, G>A. VCF-style: chr14-105381937-G-A. GRCh37 (hg19) VCF-style: chr14-105848274-G-A.
Other names: c.1067G>A, p.Arg356Gln (NM_001243127.3); c.1292G>A, p.Arg431Gln (NM_015197.4); short protein forms R356Q, R431Q.
Identifiers: ClinVar variation 975466 (VCV000975466.14), dbSNP rs2081009644, ClinGen allele CA391181507.
Genomic context (GRCh38, chr14:105,381,937, plus strand): 5'-CTGCCACAGCCACTTAGCCTGTCCTGGTCCCCAATAGGTCCGAGGGGAAGCAGGCTGGCC[G>A]ACGGGGCCGGAGCACATCCTTGAAGGAGCGGCAGGCAGCACGGCCCCAGAATGAGCGGGC-3'
Protein context (NP_001094383.2, residues 421-441): STRSEGKQAG[Arg431Gln]RGRSTSLKER